The following is an entry in ClinVar:

NM_006612.6(KIF1C):c.297C>T (p.Thr99=)

Gene: KIF1C (kinesin family member 1C; plus strand). Cytogenetic location: 17p13.2.
Variant type: single nucleotide variant.
Coding change: c.297C>T on transcript NM_006612.6 (MANE Select); coding-DNA position 297, C replaced by T.
Protein change: p.Thr99=; no amino-acid change (threonine 99 retained).
Molecular consequence: synonymous variant.
Genome position (GRCh38, 1-based): chr17:5,001,335, C>T. VCF-style: chr17-5001335-C-T. GRCh37 (hg19) VCF-style: chr17-4904630-C-T.
Identifiers: ClinVar variation 2179978 (VCV002179978.12), dbSNP rs555393703, ClinGen allele CA8318502.

ClinVar aggregate classification (germline): Benign/Likely benign. Review status: criteria provided, multiple submitters, no conflicts (2 of 4 stars). 3 submissions from 3 submitters: Benign (1); Likely benign (2). Last evaluated 2026-01-25.

Conditions:
Spastic ataxia 2. Also called: Ataxia, spastic, 2, autosomal recessive. Identifiers: Orphanet 397946, MedGen C1969796, MONDO:0012651, OMIM 611302.

Allele frequency attached by ClinVar (database versions not stated): gnomAD 0.00003; TOPMed 0.00003; ExAC 0.00013; 1000 Genomes Project 30x 0.00016; 1000 Genomes Project 0.00020.
gnomAD v4.1: 56 of 1,614,130 alleles (0.0035%); highest among the groups gnomAD compares: South Asian, 0.011%; no homozygotes.

Submissions (3):

Labcorp Genetics (formerly Invitae), Labcorp
Classification: Benign for Spastic ataxia 2. Last evaluated: 2026-01-25. Review status: criteria provided, single submitter. Criteria: Invitae Variant Classification Sherloc (09022015). Collection method: clinical testing. Allele origin: germline.

CeGaT Center for Human Genetics Tuebingen
Classification: Likely benign. Last evaluated: 2025-03-01. Review status: criteria provided, single submitter. Criteria: CeGaT Center For Human Genetics Tuebingen Variant Classification Criteria Version 2. Collection method: clinical testing. Allele origin: germline. Affected: yes. Observed: 1 variant allele.
Comment: KIF1C: BP4, BP7

Blueprint Genetics
Classification: Likely benign. Last evaluated: 2024-09-13. Review status: criteria provided, single submitter. Criteria: ACMG Guidelines, 2015. Collection method: clinical testing. Allele origin: germline.